The following is an entry in ClinVar:

ClinVar aggregate classification (germline): Likely benign. Review status: criteria provided, multiple submitters, no conflicts (2 of 4 stars). 2 submissions from 2 submitters: Likely benign (2). Last evaluated 2025-09-10.

Allele frequency attached by ClinVar (database versions not stated): ExAC 0.00001; gnomAD 0.00001; gnomAD exomes 0.00001; TOPMed 0.00001.

Submissions (2):

Labcorp Genetics (formerly Invitae), Labcorp
Classification: Likely benign. Last evaluated: 2025-09-10. Review status: criteria provided, single submitter. Criteria: Invitae Variant Classification Sherloc (09022015). Collection method: clinical testing. Allele origin: germline.

GeneDx
Classification: Likely benign. Last evaluated: 2016-04-08. Review status: criteria provided, single submitter. Criteria: GeneDx Variant Classification (06012015). Collection method: clinical testing. Allele origin: germline. Affected: yes.
Comment: This variant is considered likely benign or benign based on one or more of the following criteria: it is a conservative change, it occurs at a poorly conserved position in the protein, it is predicted to be benign by multiple in silico algorithms, and/or has population frequency not consistent with disease.

NM_001844.5(COL2A1):c.2355+15G>A

Gene: COL2A1 (collagen type II alpha 1 chain; minus strand). Cytogenetic location: 12q13.11.
Variant type: single nucleotide variant.
Coding change: c.2355+15G>A on transcript NM_001844.5 (MANE Select); 15 bases into the intron after coding-DNA position 2355, G replaced by A.
Molecular consequence: intron variant.
Genome position (GRCh38, 1-based): chr12:47,982,092, C>T on the plus strand (G>A on the coding strand, the complement: COL2A1 is on the minus strand). VCF-style: chr12-47982092-C-T. GRCh37 (hg19) VCF-style: chr12-48375875-C-T.
Other names: c.2148+15G>A (NM_033150.3).
Identifiers: ClinVar variation 385342 (VCV000385342.5), dbSNP rs746660994, ClinGen allele CA6535134.
Genomic context (GRCh38, chr12:47,982,092, plus strand): 5'-GCCCTCTCTCCTGCTCTCCTGGGTGCAGGGCTAGGATCCTAATGCCCAGCAGTCCAGCAG[C>T]CCGCATTCACTTACTCGTCCACCATCCTTTCCAGGGGCTCCCTCAGGGCCTTTCTCACCA-3'